The following is an entry in ClinVar:

ClinVar aggregate classification (germline): Uncertain significance (1 of 4 stars; one submission).

Allele frequency attached by ClinVar (database versions not stated): ExAC 0.00001; gnomAD 0.00001; gnomAD exomes 0.00001.
gnomAD v4.1: 12 of 1,613,888 alleles (0.00074%); highest among the groups gnomAD compares: South Asian, 0.0011%; no homozygotes.

Submission:

Labcorp Genetics (formerly Invitae), Labcorp
Classification: Uncertain significance. Last evaluated: 2022-04-01. Review status: criteria provided, single submitter. Criteria: Invitae Variant Classification Sherloc (09022015). Collection method: clinical testing. Allele origin: germline.
Comment: In summary, the available evidence is currently insufficient to determine the role of this variant in disease. Therefore, it has been classified as a Variant of Uncertain Significance. Algorithms developed to predict the effect of missense changes on protein structure and function output the following: SIFT: "Tolerated"; PolyPhen-2: "Benign"; Align-GVGD: "Class C0". The phenylalanine amino acid residue is found in multiple mammalian species, which suggests that this missense change does not adversely affect protein function. This variant has not been reported in the literature in individuals affected with SLC24A1-related conditions. This variant is present in population databases (rs766681351, gnomAD 0.003%). This sequence change replaces leucine, which is neutral and non-polar, with phenylalanine, which is neutral and non-polar, at codon 237 of the SLC24A1 protein (p.Leu237Phe).

NM_004727.3(SLC24A1):c.709C>T (p.Leu237Phe)

Gene: SLC24A1 (solute carrier family 24 member 1; plus strand). Cytogenetic location: 15q22.31.
Variant type: single nucleotide variant.
Coding change: c.709C>T on transcript NM_004727.3 (MANE Select); coding-DNA position 709, C replaced by T.
Protein change: p.Leu237Phe; replaces leucine 237 with phenylalanine.
Molecular consequence: missense variant.
Genome position (GRCh38, 1-based): chr15:65,624,789, C>T. VCF-style: chr15-65624789-C-T. GRCh37 (hg19) VCF-style: chr15-65917127-C-T.
Other names: c.709C>T, p.Leu237Phe (NM_001301031.1, NM_001301032.1, NM_001301033.2 and 1 more transcripts); short protein forms L237F.
Identifiers: ClinVar variation 2115034 (VCV002115034.2), dbSNP rs766681351, ClinGen allele CA7619794.
Genomic context (GRCh38, chr15:65,624,789, plus strand): 5'-AGGACAACAGTGAAAGACAGTGACATTACAGCAACCTATAAAATACTCGAAACCAACTCT[C>T]TTAAGAGAATAATGGAGGAAACCACCCCAACCACTCTCAAGGGAATGTTTGATAGCACCC-3'
Protein context (NP_004718.1, residues 227-247): ATYKILETNS[Leu237Phe]KRIMEETTPT